The following is an entry in ClinVar:

NM_005228.5(EGFR):c.3110C>T (p.Ser1037Phe)

Gene: EGFR (epidermal growth factor receptor; plus strand). Cytogenetic location: 7p11.2.
Variant type: single nucleotide variant.
Coding change: c.3110C>T on transcript NM_005228.5 (MANE Select); coding-DNA position 3110, C replaced by T.
Protein change: p.Ser1037Phe; replaces serine 1037 with phenylalanine.
Molecular consequence: missense variant.
Genome position (GRCh38, 1-based): chr7:55,201,351, C>T. VCF-style: chr7-55201351-C-T. GRCh37 (hg19) VCF-style: chr7-55269044-C-T.
Other names: c.2975C>T, p.Ser992Phe (NM_001346897.2, NM_001346899.2); c.3110C>T, p.Ser1037Phe (NM_001346898.2); c.2951C>T, p.Ser984Phe (NM_001346900.2); c.2309C>T, p.Ser770Phe (NM_001346941.2); c.3110C>T (NM_005228.3); short protein forms S1037F, S770F, S984F, S992F.
Identifiers: ClinVar variation 1016924 (VCV001016924.9), dbSNP rs765496858, ClinGen allele CA367582806.

ClinVar aggregate classification (germline): Uncertain significance. Review status: criteria provided, multiple submitters, no conflicts (2 of 4 stars). 2 submissions from 2 submitters: Uncertain significance (2). Last evaluated 2025-11-07.

Conditions:
Hereditary cancer-predisposing syndrome. Also called: Tumor predisposition; Neoplastic Syndromes, Hereditary; Hereditary neoplastic syndrome; Hereditary Cancer Syndrome. Identifiers: Orphanet 140162, MedGen C0027672, MeSH D009386, MONDO:0015356.
EGFR-related lung cancer (EGFR). Identifiers: MedGen CN130014.

Allele frequency attached by ClinVar (database versions not stated): TOPMed below 0.00001; gnomAD 0.00001.
gnomAD v4.1: 2 of 1,614,016 alleles (0.00012%); highest among the groups gnomAD compares: Non-Finnish European, 0.00017%; no homozygotes.

Submissions (2):

Labcorp Genetics (formerly Invitae), Labcorp
Classification: Uncertain significance for EGFR-related lung cancer. Last evaluated: 2025-11-07. Review status: criteria provided, single submitter. Criteria: Invitae Variant Classification Sherloc (09022015). Collection method: clinical testing. Allele origin: germline.
Comment: This sequence change replaces serine, which is neutral and polar, with phenylalanine, which is neutral and non-polar, at codon 1037 of the EGFR protein (p.Ser1037Phe). This variant is not present in population databases (gnomAD no frequency). This variant has not been reported in the literature in individuals affected with EGFR-related conditions. ClinVar contains an entry for this variant (Variation ID: 1016924). An algorithm developed to predict the effect of missense changes on protein structure and function (PolyPhen-2) suggests that this variant is likely to be disruptive. In summary, the available evidence is currently insufficient to determine the role of this variant in disease. Therefore, it has been classified as a Variant of Uncertain Significance.

Ambry Genetics
Classification: Uncertain significance for Hereditary cancer-predisposing syndrome. Last evaluated: 2025-01-24. Review status: criteria provided, single submitter. Criteria: Ambry Variant Classification Scheme 2023. Collection method: clinical testing. Allele origin: germline.
Comment: The p.S1037F variant (also known as c.3110C>T), located in coding exon 25 of the EGFR gene, results from a C to T substitution at nucleotide position 3110. The serine at codon 1037 is replaced by phenylalanine, an amino acid with highly dissimilar properties. This amino acid position is conserved. In addition, the in silico prediction for this alteration is inconclusive. Based on the available evidence, the clinical significance of this variant remains unclear.